The following is an entry in ClinVar:

ClinVar aggregate classification (germline): Uncertain significance. Review status: criteria provided, multiple submitters, no conflicts (2 of 4 stars). 6 submissions from 6 submitters: Uncertain significance (6). Last evaluated 2025-11-18.

Conditions:
MYPN-related disorder. Also called: MYPN-related condition.
MYPN-related myopathy (CMYO24). Also called: Nemaline myopathy 11, autosomal recessive. Identifiers: MedGen C4479186, MONDO:0015023, OMIM 617336.
Dilated cardiomyopathy 1KK (CMD1KK). Identifiers: Orphanet 154, Orphanet 75249, MedGen C3714995, MONDO:0014100, OMIM 615248.
Cardiovascular phenotype. Identifiers: MedGen CN230736.

Allele frequency attached by ClinVar (database versions not stated): TOPMed 0.00002; 1000 Genomes Project 30x 0.00031; 1000 Genomes Project 0.00040.
gnomAD v4.1: 10 of 1,614,056 alleles (0.00062%); highest among the groups gnomAD compares: African/African-American, 0.0093%; no homozygotes.

Submissions (6):

PreventionGenetics, part of Exact Sciences
Classification: Uncertain significance for MYPN-related condition. Last evaluated: 2025-11-18. Review status: criteria provided, single submitter. Criteria: ACMG Guidelines, 2015. Collection method: clinical testing. Allele origin: germline.
Comment: The MYPN c.2756G>T variant is predicted to result in the amino acid substitution p.Arg919Leu. To our knowledge, this variant has not been reported in the literature. This variant is reported in 0.012% of alleles in individuals of African descent in gnomAD. At this time, the clinical significance of this variant is uncertain due to the absence of conclusive functional and genetic evidence.

Ambry Genetics
Classification: Uncertain significance for Cardiovascular phenotype. Last evaluated: 2024-05-16. Review status: criteria provided, single submitter. Criteria: Ambry Variant Classification Scheme 2023. Collection method: clinical testing. Allele origin: germline.

GeneDx
Classification: Uncertain significance. Last evaluated: 2023-11-29. Review status: criteria provided, single submitter. Criteria: GeneDx Variant Classification Process June 2021. Collection method: clinical testing. Allele origin: germline. Affected: yes.
Comment: In silico analysis supports that this missense variant has a deleterious effect on protein structure/function; Has not been previously published as pathogenic or benign to our knowledge

Labcorp Genetics (formerly Invitae), Labcorp
Classification: Uncertain significance for Dilated cardiomyopathy 1KK. Last evaluated: 2022-05-18. Review status: criteria provided, single submitter. Criteria: Invitae Variant Classification Sherloc (09022015). Collection method: clinical testing. Allele origin: germline.
Comment: This sequence change replaces arginine, which is basic and polar, with leucine, which is neutral and non-polar, at codon 919 of the MYPN protein (p.Arg919Leu). This variant is present in population databases (rs193022869, gnomAD 0.02%). This variant has not been reported in the literature in individuals affected with MYPN-related conditions. ClinVar contains an entry for this variant (Variation ID: 392991). Algorithms developed to predict the effect of missense changes on protein structure and function are either unavailable or do not agree on the potential impact of this missense change (SIFT: "Tolerated"; PolyPhen-2: "Probably Damaging"; Align-GVGD: "Class C0"). In summary, the available evidence is currently insufficient to determine the role of this variant in disease. Therefore, it has been classified as a Variant of Uncertain Significance.

Fulgent Genetics
Classification: Uncertain significance for Dilated cardiomyopathy 1KK; MYPN-related myopathy. Last evaluated: 2021-09-07. Review status: criteria provided, single submitter. Criteria: ACMG Guidelines, 2015. Collection method: clinical testing. Allele origin: unknown.

Revvity Omics, Revvity
Classification: Uncertain significance. Last evaluated: 2021-02-01. Review status: criteria provided, single submitter. Criteria: ACMG Guidelines, 2015. Collection method: clinical testing. Allele origin: germline.

NM_032578.4(MYPN):c.2756G>T (p.Arg919Leu)

Gene: MYPN (myopalladin; plus strand). Cytogenetic location: 10q21.3.
Variant type: single nucleotide variant.
Coding change: c.2756G>T on transcript NM_032578.4 (MANE Select); coding-DNA position 2756, G replaced by T.
Protein change: p.Arg919Leu; replaces arginine 919 with leucine.
Molecular consequence: missense variant. On other transcripts: non-coding transcript variant (2).
Genome position (GRCh38, 1-based): chr10:68,188,957, G>T. VCF-style: chr10-68188957-G-T. GRCh37 (hg19) VCF-style: chr10-69948714-G-T.
Other names: c.2756G>T, p.Arg919Leu (NM_001256267.2); c.1874G>T, p.Arg625Leu (NM_001256268.2); short protein forms R919L, R625L.
Identifiers: ClinVar variation 392991 (VCV000392991.17), dbSNP rs193022869, ClinGen allele CA5522868.